The following is an entry in ClinVar:

ClinVar aggregate classification (germline): Likely pathogenic (1 of 4 stars; one submission).

Conditions:
Finnish congenital nephrotic syndrome (NPHS1). Also called: NEPHROTIC SYNDROME, TYPE 1. Identifiers: Orphanet 839, MedGen C0403399, MONDO:0009732, OMIM 256300.

Submission:

Natera, Inc.
Classification: Likely pathogenic for Finnish congenital nephrotic syndrome. Last evaluated: 2025-09-26. Review status: criteria provided, single submitter. Criteria: Natera Variant Classification Schema (03/2026). Collection method: clinical testing. Allele origin: germline.
Comment: The c.1518dup variant in NPHS1 is a frameshift variant predicted to shift the reading frame beginning at codon 507 and leads to a stop codon 41 codons downstream. This variant is expected to result in nonsense mediated decay, truncation, or a dysfunctional protein product. This variant is rare in the general population with a frequency below the threshold expected for the associated phenotype(s). Given the available evidence, this variant is classified as Likely Pathogenic.

NM_004646.4(NPHS1):c.1518dup (p.Ser507fs)

Gene: NPHS1 (NPHS1 adhesion molecule, nephrin; minus strand). Cytogenetic location: 19q13.12.
Variant type: Duplication.
Coding change: c.1518dup on transcript NM_004646.4 (MANE Select); coding-DNA position 1518, one base duplicated (G; older notation c.1518dupG).
Protein change: p.Ser507fs; shifts the reading frame from serine 507.
Molecular consequence: frameshift variant.
Genome position (GRCh38, 1-based): chr19:35,846,117, C duplicated on the plus strand (G on the coding strand, the reverse complement: NPHS1 is on the minus strand); the first of 3 consecutive C bases (chr19:35,846,117-35,846,119); duplicating any one gives the same sequence. VCF-style (leftmost placement, unchanged base first): chr19-35846116-T-TC. GRCh37 (hg19) VCF-style: chr19-36337018-T-TC.
Other names: c.1518dup (NM_004646.3); short protein forms S507fs.
Identifiers: ClinVar variation 4815377 (VCV004815377.1).
Genomic context (GRCh38, chr19:35,846,116, plus strand): 5'-TGAACTTGGCCTGGTTGTCCGACGGCCCTGTGACCAGCACCAGCTCTCGGGAGAAGGTGC[T>TC]CCCAGATTTCTCCACGCTGCCGAGATGCACGCGCCGCGACTCCTGCGGCAGCCGCGACTC-3'